The following is an entry in ClinVar:

NM_058216.3(RAD51C):c.485G>A (p.Gly162Glu)

Gene: RAD51C (RAD51 paralog C; plus strand). Cytogenetic location: 17q22.
Variant type: single nucleotide variant.
Coding change: c.485G>A on transcript NM_058216.3 (MANE Select); coding-DNA position 485, G replaced by A.
Protein change: p.Gly162Glu; replaces glycine 162 with glutamic acid.
Molecular consequence: missense variant.
Genome position (GRCh38, 1-based): chr17:58,696,773, G>A. VCF-style: chr17-58696773-G-A. GRCh37 (hg19) VCF-style: chr17-56774134-G-A.
Other names: c.485G>A (LRG_314t1); short protein forms G162E.
Identifiers: ClinVar variation 220285 (VCV000220285.29), dbSNP rs35151472, ClinGen allele CA349722.
Genomic context (GRCh38, chr17:58,696,773, plus strand): 5'-TGCAGATACCAGAATGTTTTGGAGGAGTGGCAGGTGAAGCAGTTTTTATTGATACAGAGG[G>A]AAGTTTTATGGTTGATAGAGTGGTAGACCTTGCTACTGCCTGCATTCAGCACCTTCAGCT-3'
Protein context (NP_478123.1, residues 152-172): AGEAVFIDTE[Gly162Glu]SFMVDRVVDL

ClinVar aggregate classification (germline): Conflicting classifications of pathogenicity. Review status: criteria provided, conflicting classifications (1 of 4 stars). 8 submissions from 8 submitters: Likely pathogenic (2); Uncertain significance (5). 1 of the submissions does not count toward it. Last evaluated 2026-01-12.

Conditions:
Hereditary cancer-predisposing syndrome. Also called: Tumor predisposition; Hereditary neoplastic syndrome; Neoplastic Syndromes, Hereditary; Hereditary Cancer Syndrome. Identifiers: Orphanet 140162, MedGen C0027672, MeSH D009386, MONDO:0015356.
Breast-ovarian cancer, familial, susceptibility to, 3. Also called: RAD51C-Related Breast/Ovarian Cancer. Identifiers: Orphanet 145, MedGen C3150659, MONDO:0013253, OMIM 613399.
Fanconi anemia complementation group O. Also called: RAD51C-Related Fanconi Anemia. Identifiers: Orphanet 84, MedGen C3150653, MONDO:0013248, OMIM 613390.

Allele frequency attached by ClinVar (database versions not stated): gnomAD exomes below 0.00001; TOPMed 0.00001.
gnomAD v4.1: 5 of 1,614,202 alleles (0.00031%); highest among the groups gnomAD compares: Non-Finnish European, 0.00042%; no homozygotes.

Submissions (8):

Labcorp Genetics (formerly Invitae), Labcorp
Classification: Uncertain significance for Fanconi anemia complementation group O. Last evaluated: 2026-01-12. Review status: criteria provided, single submitter. Criteria: Invitae Variant Classification Sherloc (09022015). Collection method: clinical testing. Allele origin: germline.
Comment: This sequence change replaces glycine, which is neutral and non-polar, with glutamic acid, which is acidic and polar, at codon 162 of the RAD51C protein (p.Gly162Glu). This variant is present in population databases (rs35151472, gnomAD 0.0009%). This missense change has been observed in individual(s) with breast and/or ovarian cancer (PMID: 21990120). ClinVar contains an entry for this variant (Variation ID: 220285). Invitae Evidence Modeling of protein sequence and biophysical properties (such as structural, functional, and spatial information, amino acid conservation, physicochemical variation, residue mobility, and thermodynamic stability) indicates that this missense variant is expected to disrupt RAD51C protein function with a positive predictive value of 80%. In summary, the available evidence is currently insufficient to determine the role of this variant in disease. Therefore, it has been classified as a Variant of Uncertain Significance.

Quest Diagnostics Nichols Institute San Juan Capistrano
Classification: Uncertain significance. Last evaluated: 2025-03-28. Review status: criteria provided, single submitter. Criteria: Quest Diagnostics criteria. Collection method: clinical testing. Allele origin: unknown.
Comment: The RAD51C c.485G>A (p.Gly162Glu) variant has been reported in individuals affected with breast and/or ovarian cancer (PMID: 21990120 (2012)). This variant has also been identified in reportedly unaffected individuals (PMID: 26261251 (2015), 33471991 (2021), see also LOVD). Assessment of experimental evidence suggests this variant results in abnormal protein function (PMID: 36099300 (2022), 37253112 (2023)). The frequency of this variant in the general population (Genome Aggregation Database) is uninformative in the assessment of its pathogenicity. Analysis of this variant using bioinformatics tools for the prediction of the effect of amino acid changes on protein structure and function yielded predictions that this variant is damaging. Based on the available information, we are unable to determine the clinical significance of this variant.

Ambry Genetics
Classification: Uncertain significance for Hereditary cancer-predisposing syndrome. Last evaluated: 2025-03-20. Review status: criteria provided, single submitter. Criteria: Ambry Variant Classification Scheme 2023. Collection method: clinical testing. Allele origin: germline.
Comment: The p.G162E variant (also known as c.485G>A), located in coding exon 3 of the RAD51C gene, results from a G to A substitution at nucleotide position 485. The glycine at codon 162 is replaced by glutamic acid, an amino acid with similar properties. This alteration has been reported in the literature in individuals diagnosed with breast and/or ovarian cancer (Thompson ER et al. Hum. Mutat. 2012 Jan;33:95-9). This variant was identified in 0/3447 cases of invasive epithelial ovarian cancer and in 1/4812 unaffected controls (Song H et al. J Clin Oncol, 2015 Sep;33:2901-7). In a homology-directed DNA repair (HDR) assay, this alteration showed a functionally abnormal read-out (Hu C. et al Cancer Res 2023 Aug;83(15):2557-2571; Olvera-Le&oacute;n R et al Cell 2024 Oct;187(20):5719-5734.e19). Additionally, this alteration showed an abnormal read-out in a cisplatin sensitivity assay; however, in a PARP inhibitor sensitivity assay, this alteration showed a functionally normal read-out (Hu C. et al Cancer Res 2023 Aug;83(15):2557-2571). This amino acid position is highly conserved in available vertebrate species. In addition, the in silico prediction for this alteration is inconclusive. Since supporting evidence is limited at this time, the clinical significance of this alteration remains unclear.

GeneDx
Classification: Likely pathogenic. Last evaluated: 2025-03-06. Review status: criteria provided, single submitter. Criteria: GeneDx Variant Classification Process June 2021. Collection method: clinical testing. Allele origin: germline. Affected: yes.
Comment: Identified in individuals with a personal and/or family history of breast and/or ovarian cancer for whom previous BRCA1/2 testing was negative (PMID: 21990120); Not observed at significant frequency in large population cohorts (gnomAD); In silico analysis supports that this missense variant has a deleterious effect on protein structure/function; This variant is associated with the following publications: (PMID: 25470109, 25086635, 26261251, 23117857, 28829762, 21537932, 36099300, 21990120, 37253112, 14704354, 33471991)

Color Diagnostics, LLC DBA Color Health
Classification: Uncertain significance for Hereditary cancer-predisposing syndrome. Last evaluated: 2024-05-17. Review status: criteria provided, single submitter. Criteria: ACMG Guidelines, 2015. Collection method: clinical testing. Allele origin: germline.
Comment: This missense variant replaces glycine with glutamic acid at codon 162 of the RAD51C protein. Computational prediction is inconclusive regarding the impact of this variant on protein structure and function. Functional studies have shown that this variant has a deleterious impact on homology-directed repair, cisplatin and olaparib sensitivity, and interactions with RAD51B, RAD51D, and XRCC3 (PMID: 36099300, 37253112). This variant has been reported in a family affected with breast cancer and ovarian cancer and in three other families affected with breast cancer only (PMID: 21990120). This variant has also been reported in an individual unaffected with cancer (PMID: 26261251) and in a breast cancer case-control meta-analysis in 0/60466 cases and 1/53461 unaffected individuals (PMID: 33471991; Leiden Open Variation Database DB-ID RAD51C_000009). This variant has been identified in 1/251482 chromosomes in the general population by the Genome Aggregation Database (gnomAD). Although there is a suspicion that this variant may be associated with disease, additional studies are necessary to determine the role of this variant in hereditary ovarian cancer conclusively. Therefore, this variant is classified as a Variant of Uncertain Significance.

Myriad Genetics, Inc.
Classification: Likely pathogenic for Breast-ovarian cancer, familial, susceptibility to, 3. Last evaluated: 2024-02-07. Review status: criteria provided, single submitter. Criteria: Myriad Autosomal Dominant, Autosomal Recessive and X-Linked Classification Criteria (2023). Collection method: clinical testing. Allele origin: unknown.
Comment: This variant is considered likely pathogenic. Functional studies indicate this variant impacts protein function [PMID: 37253112, 36099300]. This variant is expected to disrupt protein structure [Myriad internal data].

PreventionGenetics, part of Exact Sciences
Classification: Uncertain significance. Last evaluated: 2017-06-08. Review status: criteria provided, single submitter. Criteria: ACMG Guidelines, 2015. Collection method: clinical testing. Allele origin: germline.

Leiden Open Variation Database
Classification: Uncertain significance. Last evaluated: 2011-08-25. Review status: no assertion criteria provided. Collection method: curation. Allele origin: germline. Affected: yes. Not counted in ClinVar's aggregate classification.
Comment: Curator: Arleen D. Auerbach. Submitter to LOVD: Ian Campbell.

Literature cited by the submitters: PubMed 21990120 (cited by 5 submitters); PubMed 23117857 (cited by Quest Diagnostics Nichols Institute San Juan Capistrano and Ambry Genetics); PubMed 25086635 (cited by Quest Diagnostics Nichols Institute San Juan Capistrano and Ambry Genetics); PubMed 25470109 (cited by Quest Diagnostics Nichols Institute San Juan Capistrano and Ambry Genetics); PubMed 26261251 (cited by 3 submitters); PubMed 33471991 (cited by Quest Diagnostics Nichols Institute San Juan Capistrano and Color Diagnostics, LLC DBA Color Health); PubMed 36099300 (cited by 3 submitters); PubMed 37253112 (cited by 3 submitters); PubMed 21537932 (cited by Quest Diagnostics Nichols Institute San Juan Capistrano).